The following is an entry in ClinVar:

NM_022124.6(CDH23):c.6196C>T (p.Arg2066Trp)

Gene: CDH23 (cadherin related 23; plus strand). Cytogenetic location: 10q22.1.
Variant type: single nucleotide variant.
Coding change: c.6196C>T on transcript NM_022124.6 (MANE Select); coding-DNA position 6196, C replaced by T.
Protein change: p.Arg2066Trp; replaces arginine 2066 with tryptophan.
Molecular consequence: missense variant.
Genome position (GRCh38, 1-based): chr10:71,791,278, C>T. VCF-style: chr10-71791278-C-T. GRCh37 (hg19) VCF-style: chr10-73551035-C-T.
Other names: short protein forms R2066W.
Identifiers: ClinVar variation 46005 (VCV000046005.6), dbSNP rs111033489, ClinGen allele CA137525.
Genomic context (GRCh38, chr10:71,791,278, plus strand): 5'-ATCGGGCTGCTCAACAGCACGGCCCACCTGCTCATCACCATCCTGGATGACAATGACAAC[C>T]GGCCCACCTTTAGCCCTGCCACCCTCACTGTCCATCTGCTAGAGAACTGCCCGCCTGGTA-3'
Protein context (NP_071407.4, residues 2056-2076): LITILDDNDN[Arg2066Trp]PTFSPATLTV

ClinVar aggregate classification (germline): Conflicting classifications of pathogenicity. Review status: criteria provided, conflicting classifications (1 of 4 stars). 2 submissions from 2 submitters: Uncertain significance (1); Likely benign (1). Last evaluated 2022-07-04.

Allele frequency attached by ClinVar (database versions not stated): gnomAD 0.00001 and 0.00002; gnomAD exomes 0.00002 and 0.00003; ExAC 0.00003; TOPMed 0.00005.
gnomAD v4.1: 32 of 1,613,772 alleles (0.002%); highest among the groups gnomAD compares: South Asian, 0.011%; 1 homozygote.

Submissions (2):

Labcorp Genetics (formerly Invitae), Labcorp
Classification: Uncertain significance. Last evaluated: 2022-07-04. Review status: criteria provided, single submitter. Criteria: Invitae Variant Classification Sherloc (09022015). Collection method: clinical testing. Allele origin: germline.
Comment: This sequence change replaces arginine, which is basic and polar, with tryptophan, which is neutral and slightly polar, at codon 2066 of the CDH23 protein (p.Arg2066Trp). This variant is present in population databases (rs111033489, gnomAD 0.02%). This variant has not been reported in the literature in individuals affected with CDH23-related conditions. ClinVar contains an entry for this variant (Variation ID: 46005). Algorithms developed to predict the effect of missense changes on protein structure and function are either unavailable or do not agree on the potential impact of this missense change (SIFT: "Deleterious"; PolyPhen-2: "Not Available"; Align-GVGD: "Class C0"). In summary, the available evidence is currently insufficient to determine the role of this variant in disease. Therefore, it has been classified as a Variant of Uncertain Significance.

Laboratory for Molecular Medicine, Mass General Brigham Personalized Medicine
Classification: Likely benign. Last evaluated: 2010-11-15. Review status: criteria provided, single submitter. Criteria: LMM Criteria. Collection method: clinical testing. Allele origin: germline. Observed: 1 variant allele.
Comment: Arg2066Trp in exon 47 of CDH23: This variant is not expected to have clinical si gnificance because this residue is not highly conserved across species. Of note, multiple other mammals have a tryptophan at this position.